The following is an entry in ClinVar:

NM_006618.5(KDM5B):c.984T>C (p.Asp328=)

Gene: KDM5B (lysine demethylase 5B; minus strand). Cytogenetic location: 1q32.1.
Variant type: single nucleotide variant.
Coding change: c.984T>C on transcript NM_006618.5 (MANE Select); coding-DNA position 984, T replaced by C.
Protein change: p.Asp328=; no amino-acid change (aspartic acid 328 retained).
Molecular consequence: synonymous variant.
Genome position (GRCh38, 1-based): chr1:202,760,508, A>G on the plus strand (T>C on the coding strand, the complement: KDM5B is on the minus strand). VCF-style: chr1-202760508-A-G. GRCh37 (hg19) VCF-style: chr1-202729636-A-G.
Other names: c.1092T>C, p.Asp364= (NM_001314042.2); c.849T>C, p.Asp283= (NM_001347591.2); c.969T>C, p.Asp323= (NM_001399817.1).
Identifiers: ClinVar variation 715855 (VCV000715855.7), dbSNP rs61750265, ClinGen allele CA1334821.
Genomic context (GRCh38, chr1:202,760,508, plus strand): 5'-CTTGGGAACATCATGGAGAGGTGGGATCAAGCAAAAGGTATGGTAACTGTCATCACAGCC[A>G]TCACACAACAGTAGCCGGTCTTCATCATTGCCACTGCCACATAAAAGACAGACATACAGG-3'
Protein context (NP_006609.3, residues 318-338): GNDEDRLLLC[Asp328=]GCDDSYHTFC

ClinVar aggregate classification (germline): Benign. Review status: criteria provided, single submitter (1 of 4 stars). 2 submissions from 2 submitters: Benign (1). 1 of the submissions does not count toward it. Last evaluated 2019-12-31.

Conditions:
KDM5B-related disorder. Also called: KDM5B-related condition.

Allele frequency attached by ClinVar (database versions not stated): gnomAD exomes 0.00073 and 0.00173; ExAC 0.00229; gnomAD 0.00731 and 0.00776; ESP Exome Variant Server 0.00777; TOPMed 0.00778; 1000 Genomes Project 0.00819; 1000 Genomes Project 30x 0.00921.
gnomAD v4.1: 2,262 of 1,613,572 alleles (0.14%); highest among the groups gnomAD compares: African/African-American, 2.6%; 27 homozygotes.

Submissions (2):

Labcorp Genetics (formerly Invitae), Labcorp
Classification: Benign. Last evaluated: 2019-12-31. Review status: criteria provided, single submitter. Criteria: Invitae Variant Classification Sherloc (09022015). Collection method: clinical testing. Allele origin: germline.

PreventionGenetics, part of Exact Sciences
Classification: Benign for KDM5B-related condition. Last evaluated: 2023-03-13. Review status: no assertion criteria provided. Collection method: clinical testing. Allele origin: germline. Not counted in ClinVar's aggregate classification.
Comment: This variant is classified as benign based on ACMG/AMP sequence variant interpretation guidelines (Richards et al. 2015 PMID: 25741868, with internal and published modifications).